The following is an entry in ClinVar:

NM_000166.6(GJB1):c.324dup (p.Glu109Ter)

Gene: GJB1 (gap junction protein beta 1; plus strand). Cytogenetic location: Xq13.1.
Variant type: Duplication.
Coding change: c.324dup on transcript NM_000166.6 (MANE Select); coding-DNA position 324, one base duplicated (T; older notation c.324dupT).
Protein change: p.Glu109Ter; replaces glutamic acid 109 with a stop codon.
Molecular consequence: nonsense.
Genome position (GRCh38, 1-based): chrX:71,224,031, T duplicated; the last of 2 consecutive T bases (chrX:71,224,030-71,224,031); duplicating either gives the same sequence. VCF-style (leftmost placement, unchanged base first): chrX-71224029-C-CT. GRCh37 (hg19) VCF-style: chrX-70443879-C-CT.
Other names: c.324dupT (NM_000166.5); c.324dup, p.Glu109Ter (NM_001097642.3); short protein forms E109*.
Identifiers: ClinVar variation 503687 (VCV000503687.4), dbSNP rs1555937143, ClinGen allele CA658799791.

ClinVar aggregate classification (germline): Likely pathogenic. Review status: criteria provided, single submitter (1 of 4 stars). 3 submissions from 3 submitters: Likely pathogenic (1). 2 of the submissions do not count toward it. Last evaluated 2018-03-06.

Conditions:
Charcot-Marie-Tooth disease. Also called: Charcot-Marie-Tooth Hereditary Neuropathy; Charcot-Marie-Tooth Neuropathy. Identifiers: Orphanet 166, MedGen C0007959, MONDO:0015626.
Charcot-Marie-Tooth disease X-linked dominant 1. Also called: GJB1 Disorders: Charcot-Marie-Tooth Neuropathy (CMT1X) and Central Nervous System Phenotypes; X-linked Charcot-Marie-Tooth disease type 1; HEREDITARY MOTOR AND SENSORY NEUROPATHY, X-LINKED; HMSN, X-LINKED; CHARCOT-MARIE-TOOTH NEUROPATHY, X-LINKED, 1; CHARCOT-MARIE-TOOTH PERONEAL MUSCULAR ATROPHY, X-LINKED. Identifiers: Orphanet 101075, MedGen C0393808, MONDO:0010549, OMIM 302800.

Submissions (3):

GeneDx
Classification: Likely pathogenic. Last evaluated: 2018-03-06. Review status: criteria provided, single submitter. Criteria: GeneDx Variant Classification (06012015). Collection method: clinical testing. Allele origin: germline. Affected: yes.
Comment: A variant that is likely pathogenic has been identified in the GJB1 gene. The c.324dupT variant hasbeen reported previously in a family with X-linked Charcot-Marie-Tooth neuropathy; however,information regarding parental testing was not provided (Lee et al., 2002). The c.324dupT variantcauses a frameshift starting with codon Glutamic acid 109 and changes this amino acid to a premature Stop codon, denoted p.Glu109Ter. This variant is predicted to cause loss of normal protein function through protein truncation, as the last 175 amino acids of the GJB1 protein are lost. Additionally, the c.324dupT variant is not observed in large population cohorts (Lek et al., 2016). Furthermore, other loss-of-function variants downstream of this position have been reported in the Human Gene Mutation Database in association with Charcot-Marie-Tooth neuropathy X, type 1 (CMTX1) (Stenson et al., 2014). Therefore, this variant is likely pathogenic; however, the possibility that it is benign cannot be excluded.

Inherited Neuropathy Consortium Ii, University Of Miami
Classification: Uncertain significance for Charcot-Marie-Tooth disease X-linked dominant 1. Last evaluated: 2016-01-06. Review status: no assertion criteria provided. Collection method: literature only. Allele origin: germline. Affected: yes. Not counted in ClinVar's aggregate classification.

Inherited Neuropathy Consortium
Classification: Uncertain significance for Charcot-Marie-Tooth disease. Review status: no assertion criteria provided. Collection method: literature only. Allele origin: germline. Affected: yes. Not counted in ClinVar's aggregate classification.

Literature cited by the submitters: PubMed 12185164 (cited by Inherited Neuropathy Consortium Ii, University Of Miami and Inherited Neuropathy Consortium).